The following is an entry in ClinVar:

NM_000264.5(PTCH1):c.4240G>A (p.Val1414Met)

Gene: PTCH1 (patched 1; minus strand). Cytogenetic location: 9q22.32.
Variant type: single nucleotide variant.
Coding change: c.4240G>A on transcript NM_000264.5 (MANE Select); coding-DNA position 4240, G replaced by A.
Protein change: p.Val1414Met; replaces valine 1414 with methionine.
Molecular consequence: missense variant. On other transcripts: non-coding transcript variant (1).
Genome position (GRCh38, 1-based): chr9:95,447,016, C>T on the plus strand (G>A on the coding strand, the complement: PTCH1 is on the minus strand). VCF-style: chr9-95447016-C-T. GRCh37 (hg19) VCF-style: chr9-98209298-C-T.
Other names: c.4042G>A, p.Val1348Met (NM_001083602.3); c.4237G>A, p.Val1413Met (NM_001083603.3); c.3787G>A, p.Val1263Met (NM_001083604.3, NM_001083605.3, NM_001083606.3 and 1 more transcripts); c.4084G>A, p.Val1362Met (NM_001354918.2); c.4240G>A (NM_000264.4); short protein forms V1348M, V1414M, V1263M, V1362M, V1413M.
Identifiers: ClinVar variation 216389 (VCV000216389.24), dbSNP rs149667902, ClinGen allele CA336942.
Genomic context (GRCh38, chr9:95,447,016, plus strand): 5'-CCTGCAGCTCAATGACTTCCACCTTCGAATCCCTCCTCTCACACCGGACGTGGAAAGGCA[C>T]GTGGGGGTCCTCAAACAGGCCGTGGTCAGTCTCAGGGTAGCCTGGGCAGAGTCCCCCTCG-3'
Protein context (NP_000255.2, residues 1404-1424): TDHGLFEDPH[Val1414Met]PFHVRCERRD

ClinVar aggregate classification (germline): Likely benign. Review status: criteria provided, multiple submitters, no conflicts (2 of 4 stars). 8 submissions from 7 submitters: Likely benign (7). 1 of the submissions does not count toward it. Last evaluated 2026-01-19.

Conditions:
Hereditary cancer-predisposing syndrome. Also called: Tumor predisposition; Hereditary Cancer Syndrome; Neoplastic Syndromes, Hereditary; Hereditary neoplastic syndrome. Identifiers: Orphanet 140162, MedGen C0027672, MeSH D009386, MONDO:0015356.
Holoprosencephaly 7 (HPE7). Identifiers: Orphanet 2162, MedGen C1835820, MONDO:0012562, OMIM 610828.
Gorlin syndrome. Also called: Nevoid Basal Cell Carcinoma Syndrome; Basal cell nevus syndrome. Identifiers: Orphanet 377, MedGen C0004779, MONDO:0007187.
PTCH1-related disorder. Also called: PTCH1-related disorders; PTCH1-related condition.

Allele frequency attached by ClinVar (database versions not stated): TOPMed 0.00006; 1000 Genomes Project 30x 0.00016; 1000 Genomes Project 0.00020; ExAC 0.00012; gnomAD exomes 0.00014; ESP Exome Variant Server 0.00015.
gnomAD v4.1: 97 of 1,614,198 alleles (0.006%); highest among the groups gnomAD compares: Admixed American, 0.047%; no homozygotes.

Submissions (8):

Labcorp Genetics (formerly Invitae), Labcorp
Classification: Likely benign for Gorlin syndrome. Last evaluated: 2026-01-19. Review status: criteria provided, single submitter. Criteria: Invitae Variant Classification Sherloc (09022015). Collection method: clinical testing. Allele origin: germline.

Ambry Genetics
Classification: Likely benign for Hereditary cancer-predisposing syndrome. Last evaluated: 2022-12-08. Review status: criteria provided, single submitter. Criteria: Ambry Variant Classification Scheme 2023. Collection method: clinical testing. Allele origin: germline.

Quest Diagnostics Nichols Institute San Juan Capistrano
Classification: Likely benign. Last evaluated: 2022-09-06. Review status: criteria provided, single submitter. Criteria: Quest Diagnostics criteria. Collection method: clinical testing. Allele origin: unknown.

Sema4
Classification: Likely benign for Hereditary cancer-predisposing syndrome. Last evaluated: 2022-01-08. Review status: criteria provided, single submitter. Criteria: Sema4 Curation Guidelines. Collection method: curation. Allele origin: germline.

Illumina Laboratory Services, Illumina
Classification: Likely benign for Basal cell nevus syndrome 1. Last evaluated: 2018-01-13. Review status: criteria provided, single submitter. Criteria: ICSL Variant Classification Criteria 13 December 2019. Collection method: clinical testing. Allele origin: germline.
Comment: This variant was observed in the ICSL laboratory as part of a predisposition screen in an ostensibly healthy population. It had not been previously curated by ICSL or reported in the Human Gene Mutation Database (HGMD: prior to June 1st, 2018), and was therefore a candidate for classification through an automated scoring system. Utilizing variant allele frequency, disease prevalence and penetrance estimates, and inheritance mode, an automated score was calculated to assess if this variant is too frequent to cause the disease. Based on the score and internal cut-off values, a variant classified as likely benign is not then subjected to further curation. The score for this variant resulted in a classification of likely benign for this disease.

Illumina Laboratory Services, Illumina
Classification: Likely benign for Holoprosencephaly 7. Last evaluated: 2018-01-13. Review status: criteria provided, single submitter. Criteria: ICSL Variant Classification Criteria 13 December 2019. Collection method: clinical testing. Allele origin: germline.
Comment: the same text as in the submission from Illumina Laboratory Services, Illumina above.

GeneDx
Classification: Likely benign. Last evaluated: 2017-01-18. Review status: criteria provided, single submitter. Criteria: GeneDx Variant Classification (06012015). Collection method: clinical testing. Allele origin: germline. Affected: yes.
Comment: This variant is considered likely benign or benign based on one or more of the following criteria: it is a conservative change, it occurs at a poorly conserved position in the protein, it is predicted to be benign by multiple in silico algorithms, and/or has population frequency not consistent with disease.

PreventionGenetics, part of Exact Sciences
Classification: Likely benign for PTCH1-related condition. Last evaluated: 2022-05-20. Review status: no assertion criteria provided. Collection method: clinical testing. Allele origin: germline. Not counted in ClinVar's aggregate classification.
Comment: This variant is classified as likely benign based on ACMG/AMP sequence variant interpretation guidelines (Richards et al. 2015 PMID: 25741868, with internal and published modifications).

Literature cited by the submitters: PubMed 32906206 (cited by Quest Diagnostics Nichols Institute San Juan Capistrano).